The following is an entry in ClinVar:

ClinVar aggregate classification (germline): Uncertain significance. Review status: criteria provided, multiple submitters, no conflicts (2 of 4 stars). 2 submissions from 2 submitters: Uncertain significance (2). Last evaluated 2023-09-27.

Submissions (2):

Labcorp Genetics (formerly Invitae), Labcorp
Classification: Uncertain significance. Last evaluated: 2023-09-27. Review status: criteria provided, single submitter. Criteria: Invitae Variant Classification Sherloc (09022015). Collection method: clinical testing. Allele origin: germline.
Comment: This sequence change replaces glycine, which is neutral and non-polar, with arginine, which is basic and polar, at codon 621 of the RECQL protein (p.Gly621Arg). This variant is not present in population databases (gnomAD no frequency). This variant has not been reported in the literature in individuals affected with RECQL-related conditions. ClinVar contains an entry for this variant (Variation ID: 1387465). An algorithm developed to predict the effect of missense changes on protein structure and function (PolyPhen-2) suggests that this variant is likely to be tolerated. In summary, the available evidence is currently insufficient to determine the role of this variant in disease. Therefore, it has been classified as a Variant of Uncertain Significance.

Ambry Genetics
Classification: Uncertain significance. Last evaluated: 2022-03-20. Review status: criteria provided, single submitter. Criteria: Ambry Variant Classification Scheme 2023. Collection method: clinical testing. Allele origin: germline.
Comment: The p.G621R variant (also known as c.1861G>C), located in coding exon 14 of the RECQL gene, results from a G to C substitution at nucleotide position 1861. The glycine at codon 621 is replaced by arginine, an amino acid with dissimilar properties. This amino acid position is conserved. In addition, this alteration is predicted to be tolerated by in silico analysis. Since supporting evidence is limited at this time, the clinical significance of this alteration remains unclear.

NM_002907.4(RECQL):c.1861G>C (p.Gly621Arg)

Genes: PYROXD1 (pyridine nucleotide-disulphide oxidoreductase domain 1; plus strand), RECQL (RecQ like helicase; minus strand). Cytogenetic location: 12p12.1.
Variant type: single nucleotide variant.
Coding change: c.1861G>C on transcript NM_002907.4 (MANE Select); coding-DNA position 1861, G replaced by C.
Protein change: p.Gly621Arg; replaces glycine 621 with arginine.
Molecular consequence: missense variant. On other transcripts: 3 prime UTR variant (3).
Genome position (GRCh38, 1-based): chr12:21,470,283, C>G on the plus strand (G>C on the coding strand, the complement: RECQL is on the minus strand). VCF-style: chr12-21470283-C-G. GRCh37 (hg19) VCF-style: chr12-21623217-C-G.
Other names: c.1861G>C, p.Gly621Arg (NM_032941.3); c.*1529C>G (NM_001350912.2, NM_001350913.2, NM_024854.5); short protein forms G621R.
Identifiers: ClinVar variation 1387465 (VCV001387465.8), dbSNP rs2137305248, ClinGen allele CA384113802.